The following is an entry in ClinVar:

ClinVar aggregate classification (germline): Uncertain significance. Review status: criteria provided, multiple submitters, no conflicts (2 of 4 stars). 2 submissions from 2 submitters: Uncertain significance (2). Last evaluated 2023-07-23.

Conditions:
Hereditary cancer-predisposing syndrome. Also called: Tumor predisposition; Hereditary neoplastic syndrome; Neoplastic Syndromes, Hereditary; Hereditary Cancer Syndrome. Identifiers: Orphanet 140162, MedGen C0027672, MeSH D009386, MONDO:0015356.
Bloom syndrome (BLM). Also called: Bloom-Torre-Machacek syndrome. Identifiers: Orphanet 125, MedGen C0005859, MONDO:0008876, OMIM 210900.

Allele frequency attached by ClinVar (database versions not stated): TOPMed below 0.00001.

Submissions (2):

Ambry Genetics
Classification: Uncertain significance for Hereditary cancer-predisposing syndrome. Last evaluated: 2023-07-23. Review status: criteria provided, single submitter. Criteria: Ambry Variant Classification Scheme 2023. Collection method: clinical testing. Allele origin: germline.
Comment: The p.V1215F variant (also known as c.3643G>T), located in coding exon 18 of the BLM gene, results from a G to T substitution at nucleotide position 3643. The valine at codon 1215 is replaced by phenylalanine, an amino acid with highly similar properties. This amino acid position is conserved. In addition, the in silico prediction for this alteration is inconclusive. Since supporting evidence is limited at this time, the clinical significance of this alteration remains unclear.

Labcorp Genetics (formerly Invitae), Labcorp
Classification: Uncertain significance for Bloom syndrome. Last evaluated: 2022-02-19. Review status: criteria provided, single submitter. Criteria: Invitae Variant Classification Sherloc (09022015). Collection method: clinical testing. Allele origin: germline.
Comment: This variant has not been reported in the literature in individuals affected with BLM-related conditions. In summary, the available evidence is currently insufficient to determine the role of this variant in disease. Therefore, it has been classified as a Variant of Uncertain Significance. Algorithms developed to predict the effect of missense changes on protein structure and function are either unavailable or do not agree on the potential impact of this missense change (SIFT: "Tolerated"; PolyPhen-2: "Possibly Damaging"; Align-GVGD: "Class C0"). This variant is not present in population databases (gnomAD no frequency). This sequence change replaces valine, which is neutral and non-polar, with phenylalanine, which is neutral and non-polar, at codon 1215 of the BLM protein (p.Val1215Phe).

NM_000057.4(BLM):c.3643G>T (p.Val1215Phe)

Gene: BLM (BLM RecQ like helicase; plus strand). Cytogenetic location: 15q26.1.
Variant type: single nucleotide variant.
Coding change: c.3643G>T on transcript NM_000057.4 (MANE Select); coding-DNA position 3643, G replaced by T.
Protein change: p.Val1215Phe; replaces valine 1215 with phenylalanine.
Molecular consequence: missense variant. On other transcripts: intron variant (1).
Genome position (GRCh38, 1-based): chr15:90,804,251, G>T. VCF-style: chr15-90804251-G-T. GRCh37 (hg19) VCF-style: chr15-91347481-G-T.
Other names: c.3643G>T, p.Val1215Phe (NM_001287246.2); c.2518G>T, p.Val840Phe (NM_001287248.2); c.3359-4886G>T (NM_001287247.2); short protein forms V840F, V1215F.
Identifiers: ClinVar variation 2178553 (VCV002178553.6), dbSNP rs1025108238, ClinGen allele CA274775260.